The following is an entry in ClinVar:

NM_015650.4(TRAF3IP1):c.1689+4A>G

Gene: TRAF3IP1 (TRAF3 interacting protein 1; plus strand). Cytogenetic location: 2q37.3.
Variant type: single nucleotide variant.
Coding change: c.1689+4A>G on transcript NM_015650.4 (MANE Select); 4 bases into the intron after coding-DNA position 1689, A replaced by G.
Molecular consequence: intron variant.
Genome position (GRCh38, 1-based): chr2:238,356,084, A>G. VCF-style: chr2-238356084-A-G. GRCh37 (hg19) VCF-style: chr2-239264725-A-G.
Other names: c.1491+4A>G (NM_001139490.1).
Identifiers: ClinVar variation 1499386 (VCV001499386.6), dbSNP rs2106331257, ClinGen allele CA2573135699.
Genomic context (GRCh38, chr2:238,356,084, plus strand): 5'-TTGGAGACGAAGAAAGATTATGAGAAATTGCAGCAGTCACCCAAACCTGGGGAGAAGGTA[A>G]TGGAATGATTTCCATAAACACTGGCATTTTAGCAGTCTGTTTCATGCATTTACAGACTTT-3'

ClinVar aggregate classification (germline): Uncertain significance (1 of 4 stars; one submission).

Allele frequency attached by ClinVar (database versions not stated): gnomAD exomes below 0.00001.
gnomAD v4.1: 1 of 1,611,046 alleles (0.000062%); highest among the groups gnomAD compares: Non-Finnish European, 0.000085%; no homozygotes.

Submission:

Labcorp Genetics (formerly Invitae), Labcorp
Classification: Uncertain significance. Last evaluated: 2024-05-20. Review status: criteria provided, single submitter. Criteria: Invitae Variant Classification Sherloc (09022015). Collection method: clinical testing. Allele origin: germline.
Comment: This sequence change falls in intron 15 of the TRAF3IP1 gene. It does not directly change the encoded amino acid sequence of the TRAF3IP1 protein. It affects a nucleotide within the consensus splice site. This variant is not present in population databases (gnomAD no frequency). This variant has not been reported in the literature in individuals affected with TRAF3IP1-related conditions. ClinVar contains an entry for this variant (Variation ID: 1499386). Variants that disrupt the consensus splice site are a relatively common cause of aberrant splicing (PMID: 17576681, 9536098). Algorithms developed to predict the effect of sequence changes on RNA splicing suggest that this variant is not likely to affect RNA splicing. In summary, the available evidence is currently insufficient to determine the role of this variant in disease. Therefore, it has been classified as a Variant of Uncertain Significance.

Literature cited by the submitters: PubMed 17576681; PubMed 9536098.